The following is an entry in ClinVar:

ClinVar aggregate classification (germline): Conflicting classifications of pathogenicity. Review status: criteria provided, conflicting classifications (1 of 4 stars). 3 submissions from 3 submitters: Uncertain significance (1); Likely benign (2). Last evaluated 2024-07-05.

Conditions:
Hereditary cancer-predisposing syndrome. Also called: Tumor predisposition; Hereditary Cancer Syndrome; Hereditary neoplastic syndrome; Neoplastic Syndromes, Hereditary. Identifiers: Orphanet 140162, MedGen C0027672, MeSH D009386, MONDO:0015356.
Hereditary breast ovarian cancer syndrome. Also called: BRCA1- and BRCA2-Associated Hereditary Breast and Ovarian Cancer; Hereditary breast and ovarian cancer; Hereditary breast and ovarian cancer syndrome (HBOC); Hereditary breast and/or ovarian cancer syndrome; Hereditary breast and ovarian cancer syndrome; Breast and ovarian cancer. Identifiers: Orphanet 145, MedGen C0677776, MeSH D061325, MONDO:0003582. Disease mechanism: loss of function.

gnomAD v4.1: 1 of 1,613,600 alleles (0.000062%); highest among the groups gnomAD compares: Non-Finnish European, 0.000085%; no homozygotes.

Submissions (3):

Ambry Genetics
Classification: Likely benign for Hereditary cancer-predisposing syndrome. Last evaluated: 2024-07-05. Review status: criteria provided, single submitter. Criteria: Ambry Variant Classification Scheme 2023. Collection method: clinical testing. Allele origin: germline.

University of Washington Department of Laboratory Medicine, University of Washington
Classification: Likely benign for Hereditary cancer-predisposing syndrome. Last evaluated: 2023-03-23. Review status: criteria provided, single submitter. Criteria: Dines et al. (Genet Med. 2020). Collection method: curation. Allele origin: germline.
Comment: Missense variant in a coldspot region where missense variants are very unlikely to be pathogenic (PMID:31911673).

BRCA2 exon 10 coldspot. Reclassification based on statistical prior probability.

Labcorp Genetics (formerly Invitae), Labcorp
Classification: Uncertain significance for Hereditary breast ovarian cancer syndrome. Last evaluated: 2022-06-08. Review status: criteria provided, single submitter. Criteria: Invitae Variant Classification Sherloc (09022015). Collection method: clinical testing. Allele origin: germline.
Comment: Advanced modeling of protein sequence and biophysical properties (such as structural, functional, and spatial information, amino acid conservation, physicochemical variation, residue mobility, and thermodynamic stability) performed at Invitae indicates that this missense variant is not expected to disrupt BRCA2 protein function. In summary, the available evidence is currently insufficient to determine the role of this variant in disease. Therefore, it has been classified as a Variant of Uncertain Significance. This variant has not been reported in the literature in individuals affected with BRCA2-related conditions. This variant is not present in population databases (gnomAD no frequency). This sequence change replaces asparagine, which is neutral and polar, with tyrosine, which is neutral and polar, at codon 372 of the BRCA2 protein (p.Asn372Tyr).

NM_000059.4(BRCA2):c.1114A>T (p.Asn372Tyr)

Gene: BRCA2 (BRCA2 DNA repair associated; plus strand). Cytogenetic location: 13q13.1.
Variant type: single nucleotide variant.
Coding change: c.1114A>T on transcript NM_000059.4 (MANE Select); coding-DNA position 1114, A replaced by T.
Protein change: p.Asn372Tyr; replaces asparagine 372 with tyrosine.
Molecular consequence: missense variant.
Genome position (GRCh38, 1-based): chr13:32,332,592, A>T. VCF-style: chr13-32332592-A-T. GRCh37 (hg19) VCF-style: chr13-32906729-A-T.
Other names: c.1114A>T, p.Asn372Tyr (NM_001406719.1, NM_001406720.1, NM_001406721.1); short protein forms N372Y.
Identifiers: ClinVar variation 1990787 (VCV001990787.7), dbSNP rs144848, ClinGen allele CA387761624.